The following is an entry in ClinVar:

NM_001184880.2(PCDH19):c.1637A>G (p.Asn546Ser)

Gene: PCDH19 (protocadherin 19; minus strand). Cytogenetic location: Xq22.1.
Variant type: single nucleotide variant.
Coding change: c.1637A>G on transcript NM_001184880.2 (MANE Select); coding-DNA position 1637, A replaced by G.
Protein change: p.Asn546Ser; replaces asparagine 546 with serine.
Molecular consequence: missense variant.
Genome position (GRCh38, 1-based): chrX:100,406,961, T>C on the plus strand (A>G on the coding strand, the complement: PCDH19 is on the minus strand). VCF-style: chrX-100406961-T-C. GRCh37 (hg19) VCF-style: chrX-99661959-T-C.
Other names: c.1637A>G, p.Asn546Ser (NM_001105243.2, NM_020766.3); short protein forms N546S.
Identifiers: ClinVar variation 4975363 (VCV004975363.1).

ClinVar aggregate classification (germline): Uncertain significance (1 of 4 stars; one submission).

Submission:

GeneDx
Classification: Uncertain significance. Last evaluated: 2026-01-22. Review status: criteria provided, single submitter. Criteria: GeneDx Variant Classification Process June 2021. Collection method: clinical testing. Allele origin: germline.
Comment: Not observed at significant frequency in large population cohorts (gnomAD); In silico analysis supports that this missense variant has a deleterious effect on protein structure/function; Has not been previously published as pathogenic or benign to our knowledge